The following is an entry in ClinVar:

ClinVar aggregate classification (germline): Uncertain significance (1 of 4 stars; one submission).

Submission:

Labcorp Genetics (formerly Invitae), Labcorp
Classification: Uncertain significance. Last evaluated: 2021-07-07. Review status: criteria provided, single submitter. Criteria: Invitae Variant Classification Sherloc (09022015). Collection method: clinical testing. Allele origin: germline.
Comment: In summary, the available evidence is currently insufficient to determine the role of this variant in disease. Therefore, it has been classified as a Variant of Uncertain Significance. This variant has not been reported in the literature in individuals affected with GRIA3-related conditions. This variant results in a copy number gain of the genomic region encompassing exon(s) 5-15 of the GRIA3 gene. The 5' boundary is likely confined to intron 4. The 3' end of this event is unknown as it extends beyond the assayed region for this gene and therefore may encompass additional genes. As the precise location of this event is unknown, it may be in tandem or it may be located elsewhere in the genome.

NC_000023.10:g.(?_122488761)_(122616895_?)dup

Gene: GRIA3 (glutamate ionotropic receptor AMPA type subunit 3; plus strand). Cytogenetic location: Xq25.
Variant type: Duplication.
Identifiers: ClinVar variation 1409951 (VCV001409951.4).